The following is an entry in ClinVar:

NM_015114.3(ANKLE2):c.2011C>T (p.His671Tyr)

Gene: ANKLE2 (ankyrin repeat and LEM domain containing 2; minus strand). Cytogenetic location: 12q24.33.
Variant type: single nucleotide variant.
Coding change: c.2011C>T on transcript NM_015114.3 (MANE Select); coding-DNA position 2011, C replaced by T.
Protein change: p.His671Tyr; replaces histidine 671 with tyrosine.
Molecular consequence: missense variant.
Genome position (GRCh38, 1-based): chr12:132,730,151, G>A on the plus strand (C>T on the coding strand, the complement: ANKLE2 is on the minus strand). VCF-style: chr12-132730151-G-A. GRCh37 (hg19) VCF-style: chr12-133306737-G-A.
Other names: short protein forms H671Y.
Identifiers: ClinVar variation 3054584 (VCV003054584.2), dbSNP rs376393173, ClinGen allele CA6895348.

ClinVar aggregate classification (germline): Likely benign (0 of 4 stars; one submission).

Conditions:
ANKLE2-related disorder. Also called: ANKLE2-related condition.

Allele frequency attached by ClinVar (database versions not stated): gnomAD exomes 0.00004; ExAC 0.00019; ESP Exome Variant Server 0.00049; gnomAD 0.00052; TOPMed 0.00057; 1000 Genomes Project 0.00060; 1000 Genomes Project 30x 0.00078.
gnomAD v4.1: 134 of 1,611,900 alleles (0.0083%); highest among the groups gnomAD compares: African/African-American, 0.16%; no homozygotes.

Submission:

PreventionGenetics, part of Exact Sciences
Classification: Likely benign for ANKLE2-related condition. Last evaluated: 2023-09-11. Review status: no assertion criteria provided. Collection method: clinical testing. Allele origin: germline.
Comment: This variant is classified as likely benign based on ACMG/AMP sequence variant interpretation guidelines (Richards et al. 2015 PMID: 25741868, with internal and published modifications).